The following is an entry in ClinVar:

NM_000497.4(CYP11B1):c.1098T>G (p.Arg366=)

Genes: CYP11B1 (cytochrome P450 family 11 subfamily B member 1; minus strand), LOC106799833 (CYP11B1 recombination region; plus strand). Cytogenetic location: 8q24.3.
Variant type: single nucleotide variant.
Coding change: c.1098T>G on transcript NM_000497.4 (MANE Select); coding-DNA position 1098, T replaced by G.
Protein change: p.Arg366=; no amino-acid change (arginine 366 retained).
Molecular consequence: synonymous variant.
Genome position (GRCh38, 1-based): chr8:142,875,735, A>C on the plus strand (T>G on the coding strand, the complement: CYP11B1 is on the minus strand). VCF-style: chr8-142875735-A-C. GRCh37 (hg19) VCF-style: chr8-143957151-A-C.
Other names: p.Arg366=; c.1098T>G, p.Arg366= (NM_001026213.1).
Identifiers: ClinVar variation 362150 (VCV000362150.23), dbSNP rs61752769, ClinGen allele CA4905152.
Genomic context (GRCh38, chr8:142,875,735, plus strand): 5'-GGGCCAGGGCCACAGGGAGGCCTCAGCCAGCACCCACCGCAAGGTCTCCTTGAGGGCCGC[A>C]CGCAGCAAGGGCAGCTCGGTGGTTGCCTTCTGGGGATGTTCACTGATGCTGGCTGCGGCG-3'
Protein context (NP_000488.3, residues 356-376): QKATTELPLL[Arg366=]AALKETLRLY

ClinVar aggregate classification (germline): Benign/Likely benign. Review status: criteria provided, multiple submitters, no conflicts (2 of 4 stars). 8 submissions from 7 submitters: Benign (3); Likely benign (5). Last evaluated 2026-02-01.

Conditions:
Glucocorticoid-remediable aldosteronism. Also called: Hyperaldosteronism, familial, type I; FH I; GLUCOCORTICOID-SUPPRESSIBLE HYPERALDOSTERONISM; ACTH-DEPENDENT HYPERALDOSTERONISM SYNDROME; ALDOSTERONISM, SENSITIVE TO DEXAMETHASONE. Identifiers: Orphanet 403, MedGen C3838731, MONDO:0007080, OMIM 103900.
Deficiency of steroid 11-beta-monooxygenase (CYP11B1). Also called: Congenital adrenal hyperplasia due to 11-beta-hydroxylase deficiency; ADRENAL HYPERPLASIA, CONGENITAL, DUE TO STEROID 11-BETA-HYDROXYLASE DEFICIENCY; 11-BETA-HYDROXYLASE DEFICIENCY; P450C11B1 DEFICIENCY; STEROID 11-BETA-HYDROXYLASE DEFICIENCY; ADRENAL HYPERPLASIA IV. Identifiers: Orphanet 90795, MedGen C0268292, MONDO:0008729, OMIM 202010. Disease mechanism: loss of function.

Allele frequency attached by ClinVar (database versions not stated): ExAC 0.00679; 1000 Genomes Project 0.01917; gnomAD 0.01939 and 0.02016; 1000 Genomes Project 30x 0.04216.
gnomAD v4.1: 7,716 of 1,599,246 alleles (0.48%); highest among the groups gnomAD compares: African/African-American, 5.2%; 108 homozygotes.

Submissions (8):

Labcorp Genetics (formerly Invitae), Labcorp
Classification: Likely benign. Last evaluated: 2026-02-01. Review status: criteria provided, single submitter. Criteria: Invitae Variant Classification Sherloc (09022015). Collection method: clinical testing. Allele origin: germline.

Blueprint Genetics
Classification: Likely benign. Last evaluated: 2024-11-25. Review status: criteria provided, single submitter. Criteria: ACMG Guidelines, 2015. Collection method: clinical testing. Allele origin: germline.

Mayo Clinic Laboratories, Mayo Clinic
Classification: Benign. Last evaluated: 2023-01-13. Review status: criteria provided, single submitter. Criteria: ACMG Guidelines, 2015. Collection method: clinical testing. Allele origin: germline. Observed: 8 variant alleles.
Comment: BA1, BS2, BP4, BP7

Fulgent Genetics
Classification: Likely benign for Glucocorticoid-remediable aldosteronism; Deficiency of steroid 11-beta-monooxygenase. Last evaluated: 2022-05-11. Review status: criteria provided, single submitter. Criteria: ACMG Guidelines, 2015. Collection method: clinical testing. Allele origin: unknown.

Illumina Laboratory Services, Illumina
Classification: Benign for Glucocorticoid-remediable aldosteronism. Last evaluated: 2018-01-13. Review status: criteria provided, single submitter. Criteria: ICSL Variant Classification Criteria 13 December 2019. Collection method: clinical testing. Allele origin: germline.
Comment: This variant was observed in the ICSL laboratory as part of a predisposition screen in an ostensibly healthy population. It had not been previously curated by ICSL or reported in the Human Gene Mutation Database (HGMD: prior to June 1st, 2018), and was therefore a candidate for classification through an automated scoring system. Utilizing variant allele frequency, disease prevalence and penetrance estimates, and inheritance mode, an automated score was calculated to assess if this variant is too frequent to cause the disease. Based on the score and internal cut-off values, a variant classified as benign is not then subjected to further curation. The score for this variant resulted in a classification of benign for this disease.

Illumina Laboratory Services, Illumina
Classification: Likely benign for Deficiency of steroid 11-beta-monooxygenase. Last evaluated: 2018-01-13. Review status: criteria provided, single submitter. Criteria: ICSL Variant Classification Criteria 13 December 2019. Collection method: clinical testing. Allele origin: germline.
Comment: This variant was observed in the ICSL laboratory as part of a predisposition screen in an ostensibly healthy population. It had not been previously curated by ICSL or reported in the Human Gene Mutation Database (HGMD: prior to June 1st, 2018), and was therefore a candidate for classification through an automated scoring system. Utilizing variant allele frequency, disease prevalence and penetrance estimates, and inheritance mode, an automated score was calculated to assess if this variant is too frequent to cause the disease. Based on the score and internal cut-off values, a variant classified as likely benign is not then subjected to further curation. The score for this variant resulted in a classification of likely benign for this disease.

Athena Diagnostics
Classification: Benign. Last evaluated: 2017-12-05. Review status: criteria provided, single submitter. Criteria: Athena Diagnostics Criteria. Collection method: clinical testing. Allele origin: germline.

Breakthrough Genomics
Classification: Likely benign. Review status: criteria provided, single submitter. Criteria: ACMG Guidelines, 2015. Collection method: not provided. Allele origin: germline. Inheritance: Autosomal recessive inheritance. Affected: yes.